The following is an entry in ClinVar:

ClinVar aggregate classification (germline): Uncertain significance (1 of 4 stars; one submission).

Conditions:
Cholestanol storage disease (CTX). Also called: CEREBRAL CHOLESTERINOSIS; Cerebrotendinous Xanthomatosis; CTX: Cerebrotendinous xanthomatosis. Identifiers: Orphanet 909, MedGen C0238052, MONDO:0008948, OMIM 213700.

Submission:

Labcorp Genetics (formerly Invitae), Labcorp
Classification: Uncertain significance for Cholestanol storage disease. Last evaluated: 2022-06-04. Review status: criteria provided, single submitter. Criteria: Invitae Variant Classification Sherloc (09022015). Collection method: clinical testing. Allele origin: germline.
Comment: Algorithms developed to predict the effect of missense changes on protein structure and function are either unavailable or do not agree on the potential impact of this missense change (SIFT: "Tolerated"; PolyPhen-2: "Possibly Damaging"; Align-GVGD: "Class C0"). This sequence change replaces arginine, which is basic and polar, with cysteine, which is neutral and slightly polar, at codon 67 of the CYP27A1 protein (p.Arg67Cys). This variant is not present in population databases (gnomAD no frequency). This variant has not been reported in the literature in individuals affected with CYP27A1-related conditions. ClinVar contains an entry for this variant (Variation ID: 1445573). In summary, the available evidence is currently insufficient to determine the role of this variant in disease. Therefore, it has been classified as a Variant of Uncertain Significance.

NM_000784.4(CYP27A1):c.199C>T (p.Arg67Cys)

Gene: CYP27A1 (cytochrome P450 family 27 subfamily A member 1; plus strand). Cytogenetic location: 2q35.
Variant type: single nucleotide variant.
Coding change: c.199C>T on transcript NM_000784.4 (MANE Select); coding-DNA position 199, C replaced by T.
Protein change: p.Arg67Cys; replaces arginine 67 with cysteine.
Molecular consequence: missense variant.
Genome position (GRCh38, 1-based): chr2:218,782,381, C>T. VCF-style: chr2-218782381-C-T. GRCh37 (hg19) VCF-style: chr2-219647104-C-T.
Other names: short protein forms R67C.
Identifiers: ClinVar variation 1445573 (VCV001445573.6), dbSNP rs1943400890, ClinGen allele CA350576613.